The following is an entry in ClinVar:

ClinVar aggregate classification (germline): Uncertain significance (1 of 4 stars; one submission).

Allele frequency attached by ClinVar (database versions not stated): gnomAD exomes below 0.00001; TOPMed below 0.00001.
gnomAD v4.1: 3 of 1,614,058 alleles (0.00019%); highest among the groups gnomAD compares: Non-Finnish European, 0.00025%; no homozygotes.

Submission:

Women's Health and Genetics/Laboratory Corporation of America, LabCorp
Classification: Uncertain significance. Last evaluated: 2020-01-20. Review status: criteria provided, single submitter. Criteria: LabCorp Variant Classification Summary - May 2015. Collection method: clinical testing. Allele origin: germline.
Comment: Variant summary: TMEM43 c.64C>T (p.Gln22X) results in a premature termination codon, predicted to cause a truncation of the encoded protein or absence of the protein due to nonsense mediated decay. The variant was absent in 251412 control chromosomes. To our knowledge, no occurrence of c.64C>T in individuals affected with Arrhythmia and no experimental evidence demonstrating its impact on protein function have been reported. No clinical diagnostic laboratories have submitted clinical-significance assessments for this variant to ClinVar after 2014. Truncating mutations in this gene have not been reported as pathogenic by our lab or ClinVar. Based on the evidence outlined above, the variant was classified as a VUS.

NM_024334.3(TMEM43):c.64C>T (p.Gln22Ter)

Gene: TMEM43 (transmembrane protein 43; plus strand). Cytogenetic location: 3p25.1.
Variant type: single nucleotide variant.
Coding change: c.64C>T on transcript NM_024334.3 (MANE Select); coding-DNA position 64, C replaced by T.
Protein change: p.Gln22Ter; replaces glutamine 22 with a stop codon.
Molecular consequence: nonsense.
Genome position (GRCh38, 1-based): chr3:14,129,463, C>T. VCF-style: chr3-14129463-C-T. GRCh37 (hg19) VCF-style: chr3-14170963-C-T.
Other names: short protein forms Q22*.
Identifiers: ClinVar variation 917622 (VCV000917622.1), dbSNP rs1695063853, ClinGen allele CA351534260.
Genomic context (GRCh38, chr3:14,129,463, plus strand): 5'-TTTCTTCAGTATTCCAGTACCAGTACCCGGAGAGAACATGTCAAAGTTAAAACCAGCTCC[C>T]AGCCAGGCTTCCTGGAACGGCTGAGCGAGACCTCGGGTGGGATGTTTGTGGGGCTCATGG-3'